The following is an entry in ClinVar:

NM_000465.4(BARD1):c.566C>A (p.Ala189Glu)

Gene: BARD1 (BRCA1 associated RING domain 1; minus strand). Cytogenetic location: 2q35.
Variant type: single nucleotide variant.
Coding change: c.566C>A on transcript NM_000465.4 (MANE Select); coding-DNA position 566, C replaced by A.
Protein change: p.Ala189Glu; replaces alanine 189 with glutamic acid.
Molecular consequence: missense variant. On other transcripts: non-coding transcript variant (2), intron variant (3).
Genome position (GRCh38, 1-based): chr2:214,781,308, G>T on the plus strand (C>A on the coding strand, the complement: BARD1 is on the minus strand). VCF-style: chr2-214781308-G-T. GRCh37 (hg19) VCF-style: chr2-215646032-G-T.
Other names: c.509C>A, p.Ala170Glu (NM_001282543.2); c.158+28104C>A (NM_001282548.2); c.215+15753C>A (NM_001282545.2); c.364+10989C>A (NM_001282549.2); short protein forms A170E, A189E.
Identifiers: ClinVar variation 2054821 (VCV002054821.4), dbSNP rs864622686, ClinGen allele CA350456894.

ClinVar aggregate classification (germline): Uncertain significance (1 of 4 stars; one submission).

Conditions:
Familial cancer of breast. Also called: hereditary breast carcinoma; BREAST CANCER, FAMILIAL; Hereditary breast cancer. Identifiers: Orphanet 227535, MedGen C0346153, MONDO:0016419, OMIM 114480. Disease mechanism: loss of function.

Submission:

Labcorp Genetics (formerly Invitae), Labcorp
Classification: Uncertain significance for Familial cancer of breast. Last evaluated: 2021-12-23. Review status: criteria provided, single submitter. Criteria: Invitae Variant Classification Sherloc (09022015). Collection method: clinical testing. Allele origin: germline.
Comment: This sequence change replaces alanine, which is neutral and non-polar, with glutamic acid, which is acidic and polar, at codon 189 of the BARD1 protein (p.Ala189Glu). This variant is not present in population databases (gnomAD no frequency). This variant has not been reported in the literature in individuals affected with BARD1-related conditions. Algorithms developed to predict the effect of missense changes on protein structure and function output the following: SIFT: "Tolerated"; PolyPhen-2: "Benign"; Align-GVGD: "Class C0". The glutamic acid amino acid residue is found in multiple mammalian species, which suggests that this missense change does not adversely affect protein function. In summary, the available evidence is currently insufficient to determine the role of this variant in disease. Therefore, it has been classified as a Variant of Uncertain Significance.